The following is an entry in ClinVar:

NM_152594.3(SPRED1):c.237C>A (p.Asp79Glu)

Gene: SPRED1 (sprouty related EVH1 domain containing 1; plus strand). Cytogenetic location: 15q14.
Variant type: single nucleotide variant.
Coding change: c.237C>A on transcript NM_152594.3 (MANE Select); coding-DNA position 237, C replaced by A.
Protein change: p.Asp79Glu; replaces aspartic acid 79 with glutamic acid.
Molecular consequence: missense variant.
Genome position (GRCh38, 1-based): chr15:38,322,270, C>A. VCF-style: chr15-38322270-C-A. GRCh37 (hg19) VCF-style: chr15-38614471-C-A.
Other names: short protein forms D79E.
Identifiers: ClinVar variation 4843968 (VCV004843968.1).

ClinVar aggregate classification (germline): Uncertain significance (1 of 4 stars; one submission).

Conditions:
Cardiovascular phenotype. Identifiers: MedGen CN230736.

Submission:

Ambry Genetics
Classification: Uncertain significance for Cardiovascular phenotype. Last evaluated: 2025-12-21. Review status: criteria provided, single submitter. Criteria: Ambry Variant Classification Scheme 2023. Collection method: clinical testing. Allele origin: germline.
Comment: The p.D79E variant (also known as c.237C>A), located in coding exon 3 of the SPRED1 gene, results from a C to A substitution at nucleotide position 237. The aspartic acid at codon 79 is replaced by glutamic acid, an amino acid with highly similar properties. This amino acid position is conserved. In addition, the in silico prediction for this alteration is inconclusive. Based on the available evidence, the clinical significance of this variant remains unclear.